The following is an entry in ClinVar:

ClinVar aggregate classification (germline): Uncertain significance (1 of 4 stars; one submission).

Submission:

Labcorp Genetics (formerly Invitae), Labcorp
Classification: Uncertain significance. Last evaluated: 2022-05-12. Review status: criteria provided, single submitter. Criteria: Invitae Variant Classification Sherloc (09022015). Collection method: clinical testing. Allele origin: germline.
Comment: Algorithms developed to predict the effect of missense changes on protein structure and function are either unavailable or do not agree on the potential impact of this missense change (SIFT: "Tolerated"; PolyPhen-2: "Probably Damaging"; Align-GVGD: "Class C0"). This variant has not been reported in the literature in individuals affected with DRAM2-related conditions. This variant is not present in population databases (gnomAD no frequency). This sequence change replaces glycine, which is neutral and non-polar, with arginine, which is basic and polar, at codon 243 of the DRAM2 protein (p.Gly243Arg). In summary, the available evidence is currently insufficient to determine the role of this variant in disease. Therefore, it has been classified as a Variant of Uncertain Significance.

NM_001349884.2(DRAM2):c.727G>A (p.Gly243Arg)

Gene: DRAM2 (DNA damage regulated autophagy modulator 2; minus strand). Cytogenetic location: 1p13.3.
Variant type: single nucleotide variant.
Coding change: c.727G>A on transcript NM_001349884.2 (MANE Select); coding-DNA position 727, G replaced by A.
Protein change: p.Gly243Arg; replaces glycine 243 with arginine.
Molecular consequence: missense variant. On other transcripts: non-coding transcript variant (8).
Genome position (GRCh38, 1-based): chr1:111,118,234, C>T on the plus strand (G>A on the coding strand, the complement: DRAM2 is on the minus strand). VCF-style: chr1-111118234-C-T. GRCh37 (hg19) VCF-style: chr1-111660856-C-T.
Other names: c.727G>A, p.Gly243Arg (NM_001349881.2, NM_001349882.2, NM_001349885.2 and 1 more transcripts); c.457G>A, p.Gly153Arg (NM_001349886.2, NM_001349887.2, NM_001349888.2); c.337G>A, p.Gly113Arg (NM_001349889.2, NM_001349890.2, NM_001349891.2 and 2 more transcripts); short protein forms G113R, G153R, G243R.
Identifiers: ClinVar variation 1934542 (VCV001934542.5), dbSNP rs2524657460, ClinGen allele CA341817979.
Genomic context (GRCh38, chr1:111,118,234, plus strand): 5'-AAAGTAGCCGTGTTCGTTCATTGTTAATAGGGCAAGGTGCAGTGTCATAGAGGGTTAATC[C>T]ATGTAAATTGGCTTCCACCCGTAAAGAAATTTTCTGGAACAGAAAAGAAAATTATATATA-3'
Protein context (NP_001336813.1, residues 233-253): ISLRVEANLH[Gly243Arg]LTLYDTAPCP